The following is an entry in ClinVar:

ClinVar aggregate classification (germline): Uncertain significance (1 of 4 stars; one submission).

Allele frequency attached by ClinVar (database versions not stated): TOPMed below 0.00001; gnomAD 0.00001; gnomAD exomes 0.00001.
gnomAD v4.1: 6 of 1,597,856 alleles (0.00038%); highest among the groups gnomAD compares: Non-Finnish European, 0.00043%; no homozygotes.

Submission:

Labcorp Genetics (formerly Invitae), Labcorp
Classification: Uncertain significance. Last evaluated: 2024-11-11. Review status: criteria provided, single submitter. Criteria: Invitae Variant Classification Sherloc (09022015). Collection method: clinical testing. Allele origin: germline.
Comment: This sequence change replaces aspartic acid, which is acidic and polar, with glutamic acid, which is acidic and polar, at codon 37 of the SAG protein (p.Asp37Glu). The frequency data for this variant in the population databases is considered unreliable, as metrics indicate poor data quality at this position in the gnomAD database. This variant has not been reported in the literature in individuals affected with SAG-related conditions. ClinVar contains an entry for this variant (Variation ID: 1468148). Invitae Evidence Modeling of protein sequence and biophysical properties (such as structural, functional, and spatial information, amino acid conservation, physicochemical variation, residue mobility, and thermodynamic stability) indicates that this missense variant is expected to disrupt SAG protein function with a positive predictive value of 80%. In summary, the available evidence is currently insufficient to determine the role of this variant in disease. Therefore, it has been classified as a Variant of Uncertain Significance.

NM_000541.5(SAG):c.111C>A (p.Asp37Glu)

Gene: SAG (S-antigen visual arrestin; plus strand). Cytogenetic location: 2q37.1.
Variant type: single nucleotide variant.
Coding change: c.111C>A on transcript NM_000541.5 (MANE Select); coding-DNA position 111, C replaced by A.
Protein change: p.Asp37Glu; replaces aspartic acid 37 with glutamic acid.
Molecular consequence: missense variant.
Genome position (GRCh38, 1-based): chr2:233,316,110, C>A. VCF-style: chr2-233316110-C-A. GRCh37 (hg19) VCF-style: chr2-234224756-C-A.
Other names: short protein forms D37E.
Identifiers: ClinVar variation 1468148 (VCV001468148.6), dbSNP rs1350432841, ClinGen allele CA351043796.